The following continues an entry in ClinVar:

NM_000157.4(GBA1):c.475C>T (p.Arg159Trp)

ClinVar aggregate classification (germline): Pathogenic. Pathogenic (11).

Submissions 10 to 12 of 12:

Foundation for Research in Genetics and Endocrinology, FRIGE's Institute of Human Genetics
Classification: Pathogenic for Gaucher disease type II. Last evaluated: 2016-03-09. Review status: criteria provided, single submitter. Criteria: ACMG Guidelines, 2015. Collection method: clinical testing. Allele origin: germline. Inheritance: Autosomal recessive inheritance. Affected: yes. Observed: 1 variant allele, 1 compound heterozygote.
Comment: A heterozygous missense variant in exon 5 of the GBA1 gene that results in the amino acid substitution of Tryptophan for Arginine at codon 159 was detected. The observed variant c.475C>T has not been reported in the 1000 genomes and gnomAD databases. The in-silico prediction of the variant is deleterious by MutationTaster2, DANN, SIFT. In summary, the variant meets our criteria to be classified as pathogenic.

Eurofins Ntd Llc (ga)
Classification: Pathogenic. Last evaluated: 2014-01-15. Review status: criteria provided, single submitter. Criteria: EGL Classification Definitions. Collection method: clinical testing. Allele origin: germline. Observed: 13 variant alleles, 13 heterozygotes.

GeneReviews
No classification provided. Condition: Gaucher disease. Review status: no classification provided. Collection method: literature only. Allele origin: germline. Not counted in ClinVar's aggregate classification.

Literature cited by the submitters: PubMed 17395504 (cited by 3 submitters); PubMed 17427031 (cited by Labcorp Genetics (formerly Invitae), Labcorp and Mayo Clinic Laboratories, Mayo Clinic); PubMed 22623374 (cited by 3 submitters); PubMed 23430543 (cited by Labcorp Genetics (formerly Invitae), Labcorp and Mayo Clinic Laboratories, Mayo Clinic); PubMed 23588557 (cited by Labcorp Genetics (formerly Invitae), Labcorp); PubMed 24126159 (cited by Labcorp Genetics (formerly Invitae), Labcorp); PubMed 24313877 (cited by Labcorp Genetics (formerly Invitae), Labcorp); PubMed 17059888 (cited by Labcorp Genetics (formerly Invitae), Labcorp); PubMed 22429443 (cited by Natera, Inc.); PubMed 19433656 (cited by Women's Health and Genetics/Laboratory Corporation of America, LabCorp); PubMed 34134921 (cited by Women's Health and Genetics/Laboratory Corporation of America, LabCorp); PubMed 34649574 (cited by Women's Health and Genetics/Laboratory Corporation of America, LabCorp); PubMed 8889578 (cited by Mayo Clinic Laboratories, Mayo Clinic); PubMed 16546416 (cited by Mayo Clinic Laboratories, Mayo Clinic); PubMed 18429048 (cited by Mayo Clinic Laboratories, Mayo Clinic); PubMed 23430949 (cited by Mayo Clinic Laboratories, Mayo Clinic); PubMed 18338393 (cited by Mayo Clinic Laboratories, Mayo Clinic); PubMed 10649495 (cited by Victorian Clinical Genetics Services, Murdoch Childrens Research Institute); PubMed 10796875 (cited by Victorian Clinical Genetics Services, Murdoch Childrens Research Institute); PubMed 24022302 (cited by Victorian Clinical Genetics Services, Murdoch Childrens Research Institute); PubMed 28727984 (cited by Victorian Clinical Genetics Services, Murdoch Childrens Research Institute and Broad Center for Mendelian Genomics, Broad Institute of MIT and Harvard); PubMed 31010158 (cited by Victorian Clinical Genetics Services, Murdoch Childrens Research Institute); PubMed 30764785 (cited by Broad Center for Mendelian Genomics, Broad Institute of MIT and Harvard); PubMed 29685539 (cited by Broad Center for Mendelian Genomics, Broad Institute of MIT and Harvard); PubMed 23936319 (cited by Broad Center for Mendelian Genomics, Broad Institute of MIT and Harvard); PubMed 27865684 (cited by Broad Center for Mendelian Genomics, Broad Institute of MIT and Harvard); PubMed 10685993 (cited by GeneReviews).